The following is an entry in ClinVar:

ClinVar aggregate classification (germline): Likely benign (1 of 4 stars; one submission).

gnomAD v4.1: 2 of 1,613,490 alleles (0.00012%); highest among the groups gnomAD compares: Non-Finnish European, 0.00017%; no homozygotes.

Submission:

Molecular Diagnostic Laboratory for Inherited Cardiovascular Disease, Montreal Heart Institute
Classification: Likely benign. Last evaluated: 2025-04-09. Review status: criteria provided, single submitter. Criteria: ACMG Guidelines, 2015. Collection method: clinical testing. Allele origin: germline. Affected: no.
Comment: BP1

NM_001267550.2(TTN):c.11312-4211A>T

Gene: TTN (titin; minus strand). Cytogenetic location: 2q31.2.
Variant type: single nucleotide variant.
Coding change: c.11312-4211A>T on transcript NM_001267550.2 (MANE Select); 4211 bases into the intron before coding-DNA position 11312, A replaced by T.
Molecular consequence: intron variant. On other transcripts: missense variant (1).
Genome position (GRCh38, 1-based): chr2:178,746,132, T>A on the plus strand (A>T on the coding strand, the complement: TTN is on the minus strand). VCF-style: chr2-178746132-T-A. GRCh37 (hg19) VCF-style: chr2-179610859-T-A.
Other names: c.16268A>T, p.Asp5423Val (NM_133379.5); c.10223-4211A>T (NM_003319.4); c.10799-4211A>T (NM_133437.4); c.10598-4211A>T (NM_133432.3); c.10360+6992A>T (NM_133378.4); c.10361-4211A>T (NM_001256850.1); short protein forms D5423V.
Identifiers: ClinVar variation 3894739 (VCV003894739.1).
Genomic context (GRCh38, chr2:178,746,132, plus strand): 5'-ACATTTCGAATTTTAAGAGTGTGACTTCCCTTCTCCTCGCTAATCACGTATTTAATATTA[T>A]CTGGCTCAATACACATATATTCTTTATACCACTTAACTTCGGGAGTCGGGATCCCTATGA-3'